The following is an entry in ClinVar:

ClinVar aggregate classification (germline): Uncertain significance (1 of 4 stars; one submission).

Allele frequency attached by ClinVar (database versions not stated): gnomAD exomes below 0.00001.

Submission:

Labcorp Genetics (formerly Invitae), Labcorp
Classification: Uncertain significance. Last evaluated: 2023-11-13. Review status: criteria provided, single submitter. Criteria: Invitae Variant Classification Sherloc (09022015). Collection method: clinical testing. Allele origin: germline.
Comment: This sequence change replaces proline, which is neutral and non-polar, with leucine, which is neutral and non-polar, at codon 623 of the CSF2RB protein (p.Pro623Leu). This variant is not present in population databases (gnomAD no frequency). This variant has not been reported in the literature in individuals affected with CSF2RB-related conditions. Advanced modeling of protein sequence and biophysical properties (such as structural, functional, and spatial information, amino acid conservation, physicochemical variation, residue mobility, and thermodynamic stability) performed at Invitae indicates that this missense variant is not expected to disrupt CSF2RB protein function with a negative predictive value of 80%. In summary, the available evidence is currently insufficient to determine the role of this variant in disease. Therefore, it has been classified as a Variant of Uncertain Significance.

NM_000395.3(CSF2RB):c.1868C>T (p.Pro623Leu)

Gene: CSF2RB (colony stimulating factor 2 receptor subunit beta; plus strand). Cytogenetic location: 22q12.3.
Variant type: single nucleotide variant.
Coding change: c.1868C>T on transcript NM_000395.3 (MANE Select); coding-DNA position 1868, C replaced by T.
Protein change: p.Pro623Leu; replaces proline 623 with leucine.
Molecular consequence: missense variant.
Genome position (GRCh38, 1-based): chr22:36,937,676, C>T. VCF-style: chr22-36937676-C-T. GRCh37 (hg19) VCF-style: chr22-37333718-C-T.
Other names: c.1886C>T, p.Pro629Leu (NM_001410827.1); short protein forms P623L, P629L.
Identifiers: ClinVar variation 2828228 (VCV002828228.3), dbSNP rs2518008881, ClinGen allele CA411410356.